The following is an entry in ClinVar:

ClinVar aggregate classification (germline): Conflicting classifications of pathogenicity. Review status: criteria provided, conflicting classifications (1 of 4 stars). 4 submissions from 4 submitters: Uncertain significance (2); Benign (1); Likely benign (1). Last evaluated 2026-01-12.

Conditions:
Hereditary cancer-predisposing syndrome. Also called: Hereditary neoplastic syndrome; Neoplastic Syndromes, Hereditary; Tumor predisposition; Hereditary Cancer Syndrome. Identifiers: Orphanet 140162, MedGen C0027672, MeSH D009386, MONDO:0015356.
Tuberous sclerosis syndrome (TSC). Also called: Tuberous Sclerosis Complex; Tuberous sclerosis. Identifiers: Orphanet 805, MedGen C0041341, MONDO:0001734.
Tuberous sclerosis 1 (TSC1). Identifiers: Orphanet 805, MedGen C1854465, MONDO:0008612, OMIM 191100.

Allele frequency attached by ClinVar (database versions not stated): gnomAD exomes below 0.00001; TOPMed below 0.00001.
gnomAD v4.1: 2 of 1,613,762 alleles (0.00012%); highest among the groups gnomAD compares: Non-Finnish European, 0.00017%; no homozygotes.

Submissions (4):

Labcorp Genetics (formerly Invitae), Labcorp
Classification: Benign for Tuberous sclerosis 1. Last evaluated: 2026-01-12. Review status: criteria provided, single submitter. Criteria: Invitae Variant Classification Sherloc (09022015). Collection method: clinical testing. Allele origin: germline.

Color Diagnostics, LLC DBA Color Health
Classification: Uncertain significance for Tuberous sclerosis syndrome. Last evaluated: 2025-06-02. Review status: criteria provided, single submitter. Criteria: ACMG Guidelines, 2015. Collection method: clinical testing. Allele origin: germline.
Comment: This missense variant replaces serine with phenylalanine at codon 1003 of the TSC1 protein. Computational prediction suggests that this variant may not impact protein structure and function. To our knowledge, functional studies have not been reported for this variant. This variant has not been reported in individuals affected with TSC1-related disorders in the literature. This variant has not been identified in the general population by the Genome Aggregation Database (gnomAD). The available evidence is insufficient to determine the role of this variant in disease conclusively. Therefore, this variant is classified as a Variant of Uncertain Significance.

Ambry Genetics
Classification: Likely benign for Hereditary cancer-predisposing syndrome. Last evaluated: 2024-01-08. Review status: criteria provided, single submitter. Criteria: Ambry Variant Classification Scheme 2023. Collection method: clinical testing. Allele origin: germline.

All of Us Research Program, National Institutes of Health
Classification: Uncertain significance for Tuberous sclerosis syndrome. Last evaluated: 2023-04-27. Review status: criteria provided, single submitter. Criteria: ACMG Guidelines, 2015. Collection method: clinical testing. Allele origin: germline. Inheritance: Autosomal dominant inheritance. Observed: 1 variant allele, 1 heterozygote.
Comment: This study involves interpretation of variants in research participants for the purpose of population health screening. Participant phenotype was not available at the time of variant classification. Additional details can be found in publication PMID: 35346344, PMCID: PMC8962531

NM_000368.5(TSC1):c.3008C>T (p.Ser1003Phe)

Gene: TSC1 (TSC complex subunit 1; minus strand). Cytogenetic location: 9q34.13.
Variant type: single nucleotide variant.
Coding change: c.3008C>T on transcript NM_000368.5 (MANE Select); coding-DNA position 3008, C replaced by T.
Protein change: p.Ser1003Phe; replaces serine 1003 with phenylalanine.
Molecular consequence: missense variant.
Genome position (GRCh38, 1-based): chr9:132,896,722, G>A on the plus strand (C>T on the coding strand, the complement: TSC1 is on the minus strand). VCF-style: chr9-132896722-G-A. GRCh37 (hg19) VCF-style: chr9-135772109-G-A.
Other names: c.3005C>T, p.Ser1002Phe (NM_001162426.2); c.2855C>T, p.Ser952Phe (NM_001162427.2); c.2645C>T, p.Ser882Phe (NM_001362177.2); short protein forms S1003F, S952F, S1002F, S882F.
Identifiers: ClinVar variation 466110 (VCV000466110.16), dbSNP rs1554812991, ClinGen allele CA375367938.